The following is an entry in ClinVar:

ClinVar aggregate classification (germline): Uncertain significance. Review status: criteria provided, multiple submitters, no conflicts (2 of 4 stars). 2 submissions from 2 submitters: Uncertain significance (2). Last evaluated 2026-09-11.

Conditions:
Familial hypobetalipoproteinemia 1. Also called: APOB-Related Familial Hypobetalipoproteinemia; Hypobetalipoproteinemia, normotriglyceridemic; Acanthocytosis with hypobetalipoproteinemia. Identifiers: MedGen C4551990, MONDO:0014252, OMIM 615558.
Hypercholesterolemia, autosomal dominant, type B (FHCL2). Also called: Familial hypercholesterolemia 2; Hyperlipoproteinemia Type IIb; Familial Hypercholesterolemia Type B; APOB-Related Familial Hypercholesterolemia, Autosomal Dominant; APOLIPOPROTEIN B-100, FAMILIAL DEFECTIVE; APOLIPOPROTEIN B-100, FAMILIAL LIGAND-DEFECTIVE. Identifiers: MedGen C1704417, MONDO:0007751, OMIM 144010.
Cardiovascular phenotype. Identifiers: MedGen CN230736.

gnomAD v4.1: 3 of 1,613,860 alleles (0.00019%); highest among the groups gnomAD compares: Middle Eastern, 0.016%; no homozygotes.

Submissions (2):

Ambry Genetics
Classification: Uncertain significance for Cardiovascular phenotype. Last evaluated: 2026-09-11. Review status: criteria provided, single submitter. Criteria: Ambry Variant Classification Scheme 2023. Collection method: clinical testing. Allele origin: germline.
Comment: The p.N602K variant (also known as c.1806C>A), located in coding exon 13 of the APOB gene, results from a C to A substitution at nucleotide position 1806. The asparagine at codon 602 is replaced by lysine, an amino acid with similar properties. This amino acid position is conserved. In addition, this alteration is predicted to be tolerated by in silico analysis. Based on the available evidence, the clinical significance of this variant remains unclear.

Labcorp Genetics (formerly Invitae), Labcorp
Classification: Uncertain significance for Familial hypobetalipoproteinemia 1; Hypercholesterolemia, autosomal dominant, type B. Last evaluated: 2023-10-25. Review status: criteria provided, single submitter. Criteria: Invitae Variant Classification Sherloc (09022015). Collection method: clinical testing. Allele origin: germline.
Comment: This sequence change replaces asparagine, which is neutral and polar, with lysine, which is basic and polar, at codon 602 of the APOB protein (p.Asn602Lys). This variant is not present in population databases (gnomAD no frequency). This variant has not been reported in the literature in individuals affected with APOB-related conditions. ClinVar contains an entry for this variant (Variation ID: 630576). Advanced modeling of protein sequence and biophysical properties (such as structural, functional, and spatial information, amino acid conservation, physicochemical variation, residue mobility, and thermodynamic stability) performed at Invitae indicates that this missense variant is not expected to disrupt APOB protein function with a negative predictive value of 95%. In summary, the available evidence is currently insufficient to determine the role of this variant in disease. Therefore, it has been classified as a Variant of Uncertain Significance.

NM_000384.3(APOB):c.1806C>A (p.Asn602Lys)

Gene: APOB (apolipoprotein B; minus strand). Cytogenetic location: 2p24.1.
Variant type: single nucleotide variant.
Coding change: c.1806C>A on transcript NM_000384.3 (MANE Select); coding-DNA position 1806, C replaced by A.
Protein change: p.Asn602Lys; replaces asparagine 602 with lysine.
Molecular consequence: missense variant.
Genome position (GRCh38, 1-based): chr2:21,028,350, G>T on the plus strand (C>A on the coding strand, the complement: APOB is on the minus strand). VCF-style: chr2-21028350-G-T. GRCh37 (hg19) VCF-style: chr2-21251222-G-T.
Other names: short protein forms N602K.
Identifiers: ClinVar variation 2928348 (VCV002928348.3), dbSNP rs1558572342, ClinGen allele CA346014230.